The following is an entry in ClinVar:

ClinVar aggregate classification (germline): Uncertain significance. Review status: criteria provided, single submitter (1 of 4 stars). 2 submissions from 2 submitters: Uncertain significance (1). 1 of the submissions does not count toward it. Last evaluated 2021-09-15.

Conditions:
Hereditary spastic paraplegia 49 (HSAN9). Also called: Spastic paraplegia 49, autosomal recessive; TECPR2-Related Hereditary Sensory and Autonomic Neuropathy with Intellectual Disability; NEUROPATHY, HEREDITARY SENSORY AND AUTONOMIC, TYPE IX, WITH DEVELOPMENTAL DELAY. Identifiers: Orphanet 320385, MedGen C5190860, MONDO:0014016, OMIM 615031.

Allele frequency attached by ClinVar (database versions not stated): gnomAD exomes below 0.00001.
gnomAD v4.1: 3 of 1,613,544 alleles (0.00019%); highest among the groups gnomAD compares: African/African-American, 0.004%; no homozygotes.

Submissions (2):

Labcorp Genetics (formerly Invitae), Labcorp
Classification: Uncertain significance for Hereditary spastic paraplegia 49. Last evaluated: 2021-09-15. Review status: criteria provided, single submitter. Criteria: Invitae Variant Classification Sherloc (09022015). Collection method: clinical testing. Allele origin: germline.
Comment: This sequence change replaces valine with glutamic acid at codon 771 of the TECPR2 protein (p.Val771Glu). The valine residue is moderately conserved and there is a moderate physicochemical difference between valine and glutamic acid. This variant is not present in population databases (ExAC no frequency). This variant has not been reported in the literature in individuals affected with TECPR2-related conditions. Algorithms developed to predict the effect of missense changes on protein structure and function are either unavailable or do not agree on the potential impact of this missense change (SIFT: "Deleterious"; PolyPhen-2: "Benign"; Align-GVGD: "Class C0"). In summary, the available evidence is currently insufficient to determine the role of this variant in disease. Therefore, it has been classified as a Variant of Uncertain Significance.

Natera, Inc.
Classification: Uncertain significance for Autosomal recessive spastic paraplegia type 49. Last evaluated: 2021-08-11. Review status: no assertion criteria provided. Collection method: clinical testing. Allele origin: germline. Not counted in ClinVar's aggregate classification.

NM_014844.5(TECPR2):c.2312T>A (p.Val771Glu)

Gene: TECPR2 (tectonin beta-propeller repeat containing 2; plus strand). Cytogenetic location: 14q32.31.
Variant type: single nucleotide variant.
Coding change: c.2312T>A on transcript NM_014844.5 (MANE Select); coding-DNA position 2312, T replaced by A.
Protein change: p.Val771Glu; replaces valine 771 with glutamic acid.
Molecular consequence: missense variant.
Genome position (GRCh38, 1-based): chr14:102,435,129, T>A. VCF-style: chr14-102435129-T-A. GRCh37 (hg19) VCF-style: chr14-102901466-T-A.
Other names: c.2312T>A, p.Val771Glu (NM_001172631.3); short protein forms V771E.
Identifiers: ClinVar variation 473090 (VCV000473090.9), dbSNP rs1555451565, ClinGen allele CA391063242.